The following is an entry in ClinVar:

ClinVar aggregate classification (germline): Uncertain significance (0 of 4 stars; one submission).

Conditions:
KIDINS220-related disorder. Also called: KIDINS220-related condition.

gnomAD v4.1: 4 of 1,543,550 alleles (0.00026%); highest among the groups gnomAD compares: African/African-American, 0.0055%; no homozygotes.

Submission:

PreventionGenetics, part of Exact Sciences
Classification: Uncertain significance for KIDINS220-related condition. Last evaluated: 2023-12-28. Review status: no assertion criteria provided. Collection method: clinical testing. Allele origin: germline.
Comment: The KIDINS220 c.306+5G>A variant is predicted to interfere with splicing. However, such splice prediction are not equivalent to functional evidence. To our knowledge, this variant has not been reported in the literature or in a large population database, indicating this variant is rare. At this time, the clinical significance of this variant is uncertain due to the absence of conclusive functional and genetic evidence.

NM_020738.4(KIDINS220):c.306+5G>A

Gene: KIDINS220 (kinase D interacting substrate 220; minus strand). Cytogenetic location: 2p25.1.
Variant type: single nucleotide variant.
Coding change: c.306+5G>A on transcript NM_020738.4 (MANE Select); 5 bases into the intron after coding-DNA position 306, G replaced by A.
Molecular consequence: intron variant.
Genome position (GRCh38, 1-based): chr2:8,817,613, C>T on the plus strand (G>A on the coding strand, the complement: KIDINS220 is on the minus strand). VCF-style: chr2-8817613-C-T. GRCh37 (hg19) VCF-style: chr2-8957743-C-T.
Other names: c.306+5G>A (NM_001348741.2, NM_001348738.2, NM_001348739.2 and 9 more transcripts); c.180+5G>A (NM_001348736.2).
Identifiers: ClinVar variation 3352875 (VCV003352875.1).